The following is an entry in ClinVar:

NM_021076.4(NEFH):c.1924A>T (p.Thr642Ser)

Gene: NEFH (neurofilament heavy chain; plus strand). Cytogenetic location: 22q12.2.
Variant type: single nucleotide variant.
Coding change: c.1924A>T on transcript NM_021076.4 (MANE Select); coding-DNA position 1924, A replaced by T.
Protein change: p.Thr642Ser; replaces threonine 642 with serine.
Molecular consequence: missense variant.
Genome position (GRCh38, 1-based): chr22:29,489,564, A>T. VCF-style: chr22-29489564-A-T. GRCh37 (hg19) VCF-style: chr22-29885553-A-T.
Other names: short protein forms T642S.
Identifiers: ClinVar variation 1782745 (VCV001782745.2), dbSNP rs1384143215, ClinGen allele CA411132522.

ClinVar aggregate classification (germline): Uncertain significance (1 of 4 stars; one submission).

Conditions:
Inborn genetic diseases. Identifiers: MedGen C0950123, MeSH D030342.

Submission:

Ambry Genetics
Classification: Uncertain significance for Inborn genetic diseases. Last evaluated: 2022-05-21. Review status: criteria provided, single submitter. Criteria: Ambry Variant Classification Scheme 2023. Collection method: clinical testing. Allele origin: germline.
Comment: The p.T642S variant (also known as c.1924A>T), located in coding exon 4 of the NEFH gene, results from an A to T substitution at nucleotide position 1924. The threonine at codon 642 is replaced by serine, an amino acid with similar properties. This amino acid position is conserved. In addition, this alteration is predicted to be tolerated by in silico analysis. Since supporting evidence is limited at this time, the clinical significance of this alteration remains unclear.